The following is an entry in ClinVar:

ClinVar aggregate classification (germline): Uncertain significance (1 of 4 stars; one submission).

Conditions:
Hereditary cancer-predisposing syndrome. Also called: Hereditary Cancer Syndrome; Hereditary neoplastic syndrome; Neoplastic Syndromes, Hereditary; Tumor predisposition. Identifiers: Orphanet 140162, MedGen C0027672, MeSH D009386, MONDO:0015356.

Submission:

Ambry Genetics
Classification: Uncertain significance for Hereditary cancer-predisposing syndrome. Last evaluated: 2021-08-27. Review status: criteria provided, single submitter. Criteria: Ambry Variant Classification Scheme 2023. Collection method: clinical testing. Allele origin: germline.
Comment: The p.T1898I variant (also known as c.5693C>T), located in coding exon 15 of the APC gene, results from a C to T substitution at nucleotide position 5693. The threonine at codon 1898 is replaced by isoleucine, an amino acid with similar properties. This amino acid position is not well conserved in available vertebrate species. In addition, in silico predictors for this gene do not accurately predict pathogenicity. Since supporting evidence is limited at this time, the clinical significance of this alteration remains unclear.

NM_000038.6(APC):c.5693C>T (p.Thr1898Ile)

Gene: APC (APC regulator of Wnt signaling pathway; plus strand). Cytogenetic location: 5q22.2.
Variant type: single nucleotide variant.
Coding change: c.5693C>T on transcript NM_000038.6 (MANE Select); coding-DNA position 5693, C replaced by T.
Protein change: p.Thr1898Ile; replaces threonine 1898 with isoleucine.
Molecular consequence: missense variant.
Genome position (GRCh38, 1-based): chr5:112,841,287, C>T. VCF-style: chr5-112841287-C-T. GRCh37 (hg19) VCF-style: chr5-112176984-C-T.
Other names: c.5693C>T, p.Thr1898Ile (NM_001127510.3, NM_001354895.2, NM_001407450.1); c.5639C>T, p.Thr1880Ile (NM_001127511.3); c.5747C>T, p.Thr1916Ile (NM_001354896.2, NM_001407447.1, NM_001407448.1 and 1 more transcripts); c.5723C>T, p.Thr1908Ile (NM_001354897.2); c.5618C>T, p.Thr1873Ile (NM_001354898.2); c.5609C>T, p.Thr1870Ile (NM_001354899.2); c.5570C>T, p.Thr1857Ile (NM_001354900.2); c.5516C>T, p.Thr1839Ile (NM_001354901.2, NM_001407453.1); and 11 more; short protein forms T1514I, T1797I, T1857I, T1888I, T1916I, T1615I, T1870I, T1891I.
Identifiers: ClinVar variation 1749099 (VCV001749099.2), dbSNP rs1561601841, ClinGen allele CA16033797.